The following is an entry in ClinVar:

NM_001379200.1(TBX1):c.341C>A (p.Ala114Glu)

Gene: TBX1 (T-box transcription factor 1; plus strand). Cytogenetic location: 22q11.21.
Variant type: single nucleotide variant.
Coding change: c.341C>A on transcript NM_001379200.1 (MANE Select); coding-DNA position 341, C replaced by A.
Protein change: p.Ala114Glu; replaces alanine 114 with glutamic acid.
Molecular consequence: missense variant.
Genome position (GRCh38, 1-based): chr22:19,761,184, C>A. VCF-style: chr22-19761184-C-A. GRCh37 (hg19) VCF-style: chr22-19748707-C-A.
Other names: c.314C>A, p.Ala105Glu (NM_005992.1, NM_080646.2, NM_080647.1); short protein forms A105E, A114E.
Identifiers: ClinVar variation 1728162 (VCV001728162.7), dbSNP rs1462448271, ClinGen allele CA410681652.
Genomic context (GRCh38, chr22:19,761,184, plus strand): 5'-AGCCCGAGGGCCCCGGGGCCAGCTGCGCGGCCGCAGCCAAGGCGCCGGTGAAGAAGAACG[C>A]GAAGGTGGCCGGTGTGAGCGTGCAGCTAGAGATGAAGGCGCTGTGGGACGAGTTCAACCA-3'
Protein context (NP_001366129.1, residues 104-124): AAAKAPVKKN[Ala114Glu]KVAGVSVQLE

ClinVar aggregate classification (germline): Uncertain significance. Review status: criteria provided, multiple submitters, no conflicts (2 of 4 stars). 3 submissions from 3 submitters: Uncertain significance (2). 1 of the submissions does not count toward it. Last evaluated 2025-07-13.

Conditions:
Cardiovascular phenotype. Identifiers: MedGen CN230736.
TBX1-related disorder. Also called: TBX1-Related Disorders; TBX1-related condition.
DiGeorge syndrome. Also called: THIRD AND FOURTH PHARYNGEAL POUCH SYNDROME; Catch22. Identifiers: Orphanet 567, MedGen C0012236, MONDO:0008564, OMIM 188400.

Submissions (3):

Labcorp Genetics (formerly Invitae), Labcorp
Classification: Uncertain significance for DiGeorge syndrome. Last evaluated: 2025-07-13. Review status: criteria provided, single submitter. Criteria: Invitae Variant Classification Sherloc (09022015). Collection method: clinical testing. Allele origin: germline.
Comment: This sequence change replaces alanine, which is neutral and non-polar, with glutamic acid, which is acidic and polar, at codon 105 of the TBX1 protein (p.Ala105Glu). This variant is not present in population databases (gnomAD no frequency). This variant has not been reported in the literature in individuals affected with TBX1-related conditions. ClinVar contains an entry for this variant (Variation ID: 1728162). Invitae Evidence Modeling of protein sequence and biophysical properties (such as structural, functional, and spatial information, amino acid conservation, physicochemical variation, residue mobility, and thermodynamic stability) indicates that this missense variant is not expected to disrupt TBX1 protein function with a negative predictive value of 80%. In summary, the available evidence is currently insufficient to determine the role of this variant in disease. Therefore, it has been classified as a Variant of Uncertain Significance.

Ambry Genetics
Classification: Uncertain significance for Cardiovascular phenotype. Last evaluated: 2018-12-05. Review status: criteria provided, single submitter. Criteria: Ambry Variant Classification Scheme 2023. Collection method: clinical testing. Allele origin: germline.
Comment: The p.A105E variant (also known as c.314C>A), located in coding exon 2 of the TBX1 gene, results from a C to A substitution at nucleotide position 314. The alanine at codon 105 is replaced by glutamic acid, an amino acid with dissimilar properties. This amino acid position is not well conserved in available vertebrate species. In addition, this alteration is predicted to be tolerated by in silico analysis. Since supporting evidence is limited at this time, the clinical significance of this alteration remains unclear.

PreventionGenetics, part of Exact Sciences
Classification: Uncertain significance for TBX1-related condition. Last evaluated: 2023-10-18. Review status: no assertion criteria provided. Collection method: clinical testing. Allele origin: germline. Not counted in ClinVar's aggregate classification.
Comment: The TBX1 c.314C>A variant is predicted to result in the amino acid substitution p.Ala105Glu. To our knowledge, this variant has not been reported in the literature or in a large population database, indicating this variant is rare. At this time, the clinical significance of this variant is uncertain due to the absence of conclusive functional and genetic evidence.